The following is an entry in ClinVar:

ClinVar aggregate classification (germline): Likely pathogenic (1 of 4 stars; one submission).

Conditions:
Generalized epilepsy-paroxysmal dyskinesia syndrome (PNKD3). Also called: Generalized epilepsy and paroxysmal dyskinesia; Paroxysmal nonkinesigenic dyskinesia, 3, with or without generalized epilepsy. Identifiers: Orphanet 79137, MedGen C5574945, MONDO:0012276, OMIM 609446.

Submission:

Labcorp Genetics (formerly Invitae), Labcorp
Classification: Likely pathogenic for Generalized epilepsy-paroxysmal dyskinesia syndrome. Last evaluated: 2021-07-16. Review status: criteria provided, single submitter. Criteria: Invitae Variant Classification Sherloc (09022015). Collection method: clinical testing. Allele origin: germline.
Comment: This sequence change replaces threonine with alanine at codon 603 of the KCNMA1 protein (p.Thr603Ala). The threonine residue is highly conserved and there is a small physicochemical difference between threonine and alanine. This variant has been observed in individual(s) with clinical features of KCNMA1-related conditions (Invitae). In at least one individual the variant was observed to be de novo. This variant is not present in population databases (ExAC no frequency). ClinVar contains an entry for this variant (Variation ID: 1004014). In summary, the currently available evidence indicates that the variant is pathogenic, but additional data are needed to prove that conclusively. Therefore, this variant has been classified as Likely Pathogenic. Algorithms developed to predict the effect of missense changes on protein structure and function (SIFT, PolyPhen-2, Align-GVGD) all suggest that this variant is likely to be tolerated.

NM_001161352.2(KCNMA1):c.1807A>G (p.Thr603Ala)

Gene: KCNMA1 (potassium calcium-activated channel subfamily M alpha 1; minus strand). Cytogenetic location: 10q22.3.
Variant type: single nucleotide variant.
Coding change: c.1807A>G on transcript NM_001161352.2 (MANE Select); coding-DNA position 1807, A replaced by G.
Protein change: p.Thr603Ala; replaces threonine 603 with alanine.
Molecular consequence: missense variant.
Genome position (GRCh38, 1-based): chr10:77,039,580, T>C on the plus strand (A>G on the coding strand, the complement: KCNMA1 is on the minus strand). VCF-style: chr10-77039580-T-C. GRCh37 (hg19) VCF-style: chr10-78799338-T-C.
Other names: c.1807A>G, p.Thr603Ala (NM_001014797.3, NM_001161353.2, NM_001271519.2 and 7 more transcripts); c.1645A>G, p.Thr549Ala (NM_001271518.2); c.1267A>G, p.Thr423Ala (NM_001322838.2); short protein forms T423A, T549A, T603A.
Identifiers: ClinVar variation 1004014 (VCV001004014.11), dbSNP rs2094531972, ClinGen allele CA377410098.
Genomic context (GRCh38, chr10:77,039,580, plus strand): 5'-TCACTTACTCACAAACAGTAGGGAAGGACAGACCCACGAAGGCACTGGAGAGATATTCTG[T>C]GTACATTTCATTTGAGACTCCTTCCAAGTAGTATTTCTGCCATGTGTCTTCCTCAATCTA-3'
Protein context (NP_001154824.1, residues 593-613): YLEGVSNEMY[Thr603Ala]EYLSSAFVGL